The following is an entry in ClinVar:

ClinVar aggregate classification (germline): Pathogenic (1 of 4 stars; one submission).

Conditions:
Beta-D-mannosidosis (MANSB). Also called: MANNOSIDOSIS, BETA A, LYSOSOMAL; BETA-MANNOSIDASE DEFICIENCY; LYSOSOMAL BETA-MANNOSIDASE DEFICIENCY; Beta-Mannosidosis. Identifiers: Orphanet 118, MedGen C4048196, MONDO:0009562, OMIM 248510.

Submission:

Labcorp Genetics (formerly Invitae), Labcorp
Classification: Pathogenic for Beta-D-mannosidosis. Last evaluated: 2023-09-08. Review status: criteria provided, single submitter. Criteria: Invitae Variant Classification Sherloc (09022015). Collection method: clinical testing. Allele origin: germline.
Comment: For these reasons, this variant has been classified as Pathogenic. This variant has not been reported in the literature in individuals affected with MANBA-related conditions. This variant is not present in population databases (gnomAD no frequency). This sequence change creates a premature translational stop signal (p.Tyr438Thrfs*6) in the MANBA gene. It is expected to result in an absent or disrupted protein product. Loss-of-function variants in MANBA are known to be pathogenic (PMID: 9384606, 12468273).

Literature cited by the submitters: PubMed 9384606; PubMed 12468273.

NM_005908.4(MANBA):c.1312del (p.Tyr438fs)

Gene: MANBA (mannosidase beta; minus strand). Cytogenetic location: 4q24.
Variant type: Deletion.
Coding change: c.1312del on transcript NM_005908.4 (MANE Select); coding-DNA position 1312, one base deleted (T; older notation c.1312delT).
Protein change: p.Tyr438fs; shifts the reading frame from tyrosine 438.
Molecular consequence: frameshift variant.
Genome position (GRCh38, 1-based): chr4:102,668,968, A deleted on the plus strand (T on the coding strand, the reverse complement: MANBA is on the minus strand). VCF-style (leftmost placement, unchanged base first): chr4-102668967-TA-T. GRCh37 (hg19) VCF-style: chr4-103590124-TA-T.
Other names: short protein forms Y438fs.
Identifiers: ClinVar variation 2901137 (VCV002901137.3), dbSNP rs2476779375, ClinGen allele CA2739270203.